The following is an entry in ClinVar:

NM_001292063.2(OTOG):c.6661_6666del (p.Met2221_Ile2222del)

Gene: OTOG (otogelin; plus strand). Cytogenetic location: 11p15.1.
Variant type: Deletion.
Coding change: c.6661_6666del on transcript NM_001292063.2 (MANE Select); coding-DNA positions 6661 to 6666, 6 bases deleted (ATGATC; older notation c.6661_6666delATGATC).
Protein change: p.Met2221_Ile2222del.
Molecular consequence: inframe deletion.
Genome position (GRCh38, 1-based): chr11:17,629,265-17,629,270, ATGATC deleted; deleting any 6 consecutive bases within chr11:17,629,263-17,629,270 gives the same sequence; the c. name uses the placement nearest the transcript's 3' end. VCF-style (leftmost placement, unchanged base first): chr11-17629262-CTCATGA-C. GRCh37 (hg19) VCF-style: chr11-17650809-CTCATGA-C.
Other names: c.6697_6702del, p.Met2233_Ile2234del (NM_001277269.2).
Identifiers: ClinVar variation 1962249 (VCV001962249.2), dbSNP rs1425035045, ClinGen allele CA674250642.

ClinVar aggregate classification (germline): Uncertain significance (1 of 4 stars; one submission).

Submission:

Labcorp Genetics (formerly Invitae), Labcorp
Classification: Uncertain significance. Last evaluated: 2021-12-21. Review status: criteria provided, single submitter. Criteria: Invitae Variant Classification Sherloc (09022015). Collection method: clinical testing. Allele origin: germline.
Comment: This variant, c.6697_6702del, results in the deletion of 2 amino acid(s) of the OTOG protein (p.Met2233_Ile2234del), but otherwise preserves the integrity of the reading frame. This variant is not present in population databases (gnomAD no frequency). This variant has not been reported in the literature in individuals affected with OTOG-related conditions. Experimental studies and prediction algorithms are not available or were not evaluated, and the functional significance of this variant is currently unknown. In summary, the available evidence is currently insufficient to determine the role of this variant in disease. Therefore, it has been classified as a Variant of Uncertain Significance.